The following is an entry in ClinVar:

ClinVar aggregate classification (germline): Uncertain significance. Review status: criteria provided, multiple submitters, no conflicts (2 of 4 stars). 2 submissions from 2 submitters: Uncertain significance (2). Last evaluated 2022-03-12.

Conditions:
Severe combined immunodeficiency due to DNA-PKcs deficiency. Also called: IMMUNODEFICIENCY 26 WITH NEUROLOGIC ABNORMALITIES; Immunodeficiency 26 with or without neurologic abnormalities. Identifiers: Orphanet 317425, MedGen C4014833, MONDO:0014423, OMIM 615966.

Allele frequency attached by ClinVar (database versions not stated): gnomAD exomes below 0.00001.
gnomAD v4.1: 2 of 1,613,874 alleles (0.00012%); highest among the groups gnomAD compares: Non-Finnish European, 0.00017%; no homozygotes.

Submissions (2):

Labcorp Genetics (formerly Invitae), Labcorp
Classification: Uncertain significance for Severe combined immunodeficiency due to DNA-PKcs deficiency. Last evaluated: 2022-03-12. Review status: criteria provided, single submitter. Criteria: Invitae Variant Classification Sherloc (09022015). Collection method: clinical testing. Allele origin: germline.
Comment: In summary, the available evidence is currently insufficient to determine the role of this variant in disease. Therefore, it has been classified as a Variant of Uncertain Significance. Experimental studies and prediction algorithms are not available or were not evaluated, and the functional significance of this variant is currently unknown. This variant has not been reported in the literature in individuals affected with PRKDC-related conditions. This variant is not present in population databases (gnomAD no frequency). This sequence change replaces glutamine, which is neutral and polar, with arginine, which is basic and polar, at codon 415 of the PRKDC protein (p.Gln415Arg).

Ambry Genetics
Classification: Uncertain significance. Last evaluated: 2021-12-14. Review status: criteria provided, single submitter. Criteria: Ambry Variant Classification Scheme 2023. Collection method: clinical testing. Allele origin: germline.
Comment: The p.Q415R variant (also known as c.1244A>G), located in coding exon 12 of the PRKDC gene, results from an A to G substitution at nucleotide position 1244. The glutamine at codon 415 is replaced by arginine, an amino acid with highly similar properties. This amino acid position is conserved. In addition, the in silico prediction for this alteration is inconclusive. Since supporting evidence is limited at this time, the clinical significance of this alteration remains unclear.

NM_006904.7(PRKDC):c.1244A>G (p.Gln415Arg)

Gene: PRKDC (protein kinase, DNA-activated, catalytic subunit; minus strand). Cytogenetic location: 8q11.21.
Variant type: single nucleotide variant.
Coding change: c.1244A>G on transcript NM_006904.7 (MANE Select); coding-DNA position 1244, A replaced by G.
Protein change: p.Gln415Arg; replaces glutamine 415 with arginine.
Molecular consequence: missense variant.
Genome position (GRCh38, 1-based): chr8:47,936,387, T>C on the plus strand (A>G on the coding strand, the complement: PRKDC is on the minus strand). VCF-style: chr8-47936387-T-C. GRCh37 (hg19) VCF-style: chr8-48848947-T-C.
Other names: c.1244A>G, p.Gln415Arg (NM_001081640.2); short protein forms Q415R.
Identifiers: ClinVar variation 1759051 (VCV001759051.7), dbSNP rs2090352322, ClinGen allele CA371166108.
Genomic context (GRCh38, chr8:47,936,387, plus strand): 5'-AATTGTGCTCAGTTTAGTTCACTTACTGTGTCAAGGTACAGCAAGACGCTTGCAACAGAC[T>C]GGAGGAAGCTTGGCATCTGATAAACACGGTCGTCACCAGTGTCTGTCTGGGTGAGGAACA-3'
Protein context (NP_008835.5, residues 405-425): DRVYQMPSFL[Gln415Arg]SVASVLLYLD